The following is an entry in ClinVar:

ClinVar aggregate classification (germline): Conflicting classifications of pathogenicity. Review status: criteria provided, conflicting classifications (1 of 4 stars). 4 submissions from 4 submitters: Uncertain significance (1); Likely benign (2). 1 of the submissions does not count toward it. Last evaluated 2026-01-20.

Conditions:
CLIC5-related disorder. Also called: CLIC5-related condition.

Allele frequency attached by ClinVar (database versions not stated): gnomAD 0.00006; ESP Exome Variant Server 0.00008; ExAC 0.00044; gnomAD exomes 0.00047.

Submissions (4):

Labcorp Genetics (formerly Invitae), Labcorp
Classification: Likely benign. Last evaluated: 2026-01-20. Review status: criteria provided, single submitter. Criteria: Invitae Variant Classification Sherloc (09022015). Collection method: clinical testing. Allele origin: germline.

Women's Health and Genetics/Laboratory Corporation of America, LabCorp
Classification: Uncertain significance. Last evaluated: 2024-12-04. Review status: criteria provided, single submitter. Criteria: LabCorp Variant Classification Summary - May 2015. Collection method: clinical testing. Allele origin: germline.
Comment: Variant summary: CLIC5 c.499G>A (p.Glu167Lys) results in a conservative amino acid change in the encoded protein sequence. Three of five in-silico tools predict a benign effect of the variant on protein function. The variant allele was found at a frequency of 0.00047 in 249216 control chromosomes in the gnomAD database, including 1 homozygotes. This frequency is not significantly higher than estimated for a pathogenic variant in CLIC5 causing Autosomal Recessive Nonsyndromic Hearing Loss 103, allowing no conclusion about variant significance. To our knowledge, no occurrence of c.499G>A in individuals affected with Autosomal Recessive Nonsyndromic Hearing Loss 103 and no experimental evidence demonstrating its impact on protein function have been reported. ClinVar contains an entry for this variant (Variation ID: 1317635). Based on the evidence outlined above, the variant was classified as uncertain significance.

GeneDx
Classification: Likely benign. Last evaluated: 2020-02-14. Review status: criteria provided, single submitter. Criteria: GeneDx Variant Classification Process June 2021. Collection method: clinical testing. Allele origin: germline. Affected: yes.

PreventionGenetics, part of Exact Sciences
Classification: Likely benign for CLIC5-related condition. Last evaluated: 2023-09-05. Review status: no assertion criteria provided. Collection method: clinical testing. Allele origin: germline. Not counted in ClinVar's aggregate classification.
Comment: This variant is classified as likely benign based on ACMG/AMP sequence variant interpretation guidelines (Richards et al. 2015 PMID: 25741868, with internal and published modifications).

NM_016929.5(CLIC5):c.499G>A (p.Glu167Lys)

Gene: CLIC5 (chloride intracellular channel 5; minus strand). Cytogenetic location: 6p21.1.
Variant type: single nucleotide variant.
Coding change: c.499G>A on transcript NM_016929.5 (MANE Select); coding-DNA position 499, G replaced by A.
Protein change: p.Glu167Lys; replaces glutamic acid 167 with lysine.
Molecular consequence: missense variant. On other transcripts: non-coding transcript variant (3).
Genome position (GRCh38, 1-based): chr6:45,914,317, C>T on the plus strand (G>A on the coding strand, the complement: CLIC5 is on the minus strand). VCF-style: chr6-45914317-C-T. GRCh37 (hg19) VCF-style: chr6-45882054-C-T.
Other names: c.976G>A, p.Glu326Lys (NM_001114086.2, NM_001370650.1); c.499G>A, p.Glu167Lys (NM_001256023.2); c.382G>A, p.Glu128Lys (NM_001370649.1); short protein forms E128K, E167K, E326K.
Identifiers: ClinVar variation 1317635 (VCV001317635.12), dbSNP rs367749546, ClinGen allele CA3836757.